The following is an entry in ClinVar:

NM_000441.2(SLC26A4):c.2219dup (p.Ser741fs)

Gene: SLC26A4 (solute carrier family 26 member 4; plus strand). Cytogenetic location: 7q22.3.
Variant type: Duplication.
Coding change: c.2219dup on transcript NM_000441.2 (MANE Select); coding-DNA position 2219, one base duplicated (G; older notation c.2219dupG).
Protein change: p.Ser741fs; shifts the reading frame from serine 741.
Molecular consequence: frameshift variant.
Genome position (GRCh38, 1-based): chr7:107,710,183, G duplicated; the last of 2 consecutive G bases (chr7:107,710,182-107,710,183); duplicating either gives the same sequence. VCF-style (leftmost placement, unchanged base first): chr7-107710181-A-AG. GRCh37 (hg19) VCF-style: chr7-107350626-A-AG.
Other names: short protein forms S741fs.
Identifiers: ClinVar variation 3601721 (VCV003601721.1).
Genomic context (GRCh38, chr7:107,710,181, plus strand): 5'-TTTGACGGTCCATGATGCTATACTCTATCTACAGAACCAAGTGAAATCTCAAGAGGGTCA[A>AG]GGTTCCATTTTAGAAACGGTAAATATTCAACCTTTCTACAGATGTATCTTTTCTAAACTA-3'

ClinVar aggregate classification (germline): Likely pathogenic (1 of 4 stars; one submission).

Conditions:
Autosomal recessive nonsyndromic hearing loss 4 (DFNB4). Also called: Deafness, autosomal recessive 4; FOXI1-Related Pendred Syndrome; KCNJ10-Related Pendred Syndrome; DEAFNESS, AUTOSOMAL RECESSIVE 4, WITH ENLARGED VESTIBULAR AQUEDUCT, DIGENIC; NEUROSENSORY NONSYNDROMIC RECESSIVE DEAFNESS 4; Nonsyndromic enlarged vestibular aqueduct (NSEVA). Identifiers: Orphanet 90636, MedGen C3538946, MONDO:0010933, OMIM 600791.

Submission:

Institute of Rare Diseases, West China Hospital, Sichuan University
Classification: Likely pathogenic for Autosomal recessive nonsyndromic hearing loss 4. Last evaluated: 2025-01-09. Review status: criteria provided, single submitter. Criteria: ClinGen HL ACMG Specifications v1. Collection method: research. Allele origin: germline. Affected: yes.
Comment: PVS1;PM2_Supporting